The following is an entry in ClinVar:

ClinVar aggregate classification (germline): Conflicting classifications of pathogenicity. Review status: criteria provided, conflicting classifications (1 of 4 stars). 5 submissions from 5 submitters: Uncertain significance (2); Benign (1); Likely benign (2). Last evaluated 2025-12-09.

Conditions:
Hereditary cancer-predisposing syndrome. Also called: Tumor predisposition; Neoplastic Syndromes, Hereditary; Hereditary Cancer Syndrome; Hereditary neoplastic syndrome. Identifiers: Orphanet 140162, MedGen C0027672, MeSH D009386, MONDO:0015356.
Tuberous sclerosis syndrome (TSC). Also called: Tuberous Sclerosis Complex; Tuberous sclerosis. Identifiers: Orphanet 805, MedGen C0041341, MONDO:0001734.
Tuberous sclerosis 1 (TSC1). Identifiers: Orphanet 805, MedGen C1854465, MONDO:0008612, OMIM 191100.

Allele frequency attached by ClinVar (database versions not stated): gnomAD exomes below 0.00001; ExAC 0.00001; gnomAD 0.00001; TOPMed 0.00002.
gnomAD v4.1: 4 of 1,614,074 alleles (0.00025%); highest among the groups gnomAD compares: African/African-American, 0.0013%; no homozygotes.

Submissions (5):

Labcorp Genetics (formerly Invitae), Labcorp
Classification: Benign for Tuberous sclerosis 1. Last evaluated: 2025-12-09. Review status: criteria provided, single submitter. Criteria: Invitae Variant Classification Sherloc (09022015). Collection method: clinical testing. Allele origin: germline.

Ambry Genetics
Classification: Likely benign for Hereditary cancer-predisposing syndrome. Last evaluated: 2024-06-07. Review status: criteria provided, single submitter. Criteria: Ambry Variant Classification Scheme 2023. Collection method: clinical testing. Allele origin: germline.

Quest Diagnostics Nichols Institute San Juan Capistrano
Classification: Uncertain significance. Last evaluated: 2024-05-24. Review status: criteria provided, single submitter. Criteria: Quest Diagnostics criteria. Collection method: clinical testing. Allele origin: unknown.

All of Us Research Program, National Institutes of Health
Classification: Uncertain significance for Tuberous sclerosis syndrome. Last evaluated: 2024-05-13. Review status: criteria provided, single submitter. Criteria: ACMG Guidelines, 2015. Collection method: clinical testing. Allele origin: germline. Inheritance: Autosomal dominant inheritance. Observed: 2 variant alleles, 2 heterozygotes.
Comment: This missense variant replaces alanine with valine at codon 1129 of the TSC1 protein. Computational prediction suggests that this variant may not impact protein structure and function (internally defined REVEL score threshold <= 0.5, PMID: 27666373). To our knowledge, functional studies have not been reported for this variant. This variant has not been reported in individuals affected with tuberous sclerosis complex in the literature. This variant has been identified in 1/251392 chromosomes in the general population by the Genome Aggregation Database (gnomAD). The available evidence is insufficient to determine the role of this variant in disease conclusively. Therefore, this variant is classified as a Variant of Uncertain Significance.

This study involves interpretation of variants in research participants for the purpose of population health screening. Participant phenotype was not available at the time of variant classification. Additional details can be found in publication PMID: 35346344, PMCID: PMC8962531

Genome-Nilou Lab
Classification: Likely benign for Tuberous sclerosis 1. Last evaluated: 2021-11-07. Review status: criteria provided, single submitter. Criteria: ACMG Guidelines, 2015. Collection method: clinical testing. Allele origin: germline. Affected: no.

Literature cited by the submitters: PubMed 26580448 (cited by Ambry Genetics and Quest Diagnostics Nichols Institute San Juan Capistrano).

NM_000368.5(TSC1):c.3386C>T (p.Ala1129Val)

Gene: TSC1 (TSC complex subunit 1; minus strand). Cytogenetic location: 9q34.13.
Variant type: single nucleotide variant.
Coding change: c.3386C>T on transcript NM_000368.5 (MANE Select); coding-DNA position 3386, C replaced by T.
Protein change: p.Ala1129Val; replaces alanine 1129 with valine.
Molecular consequence: missense variant.
Genome position (GRCh38, 1-based): chr9:132,896,344, G>A on the plus strand (C>T on the coding strand, the complement: TSC1 is on the minus strand). VCF-style: chr9-132896344-G-A. GRCh37 (hg19) VCF-style: chr9-135771731-G-A.
Other names: c.3383C>T, p.Ala1128Val (NM_001162426.2); c.3233C>T, p.Ala1078Val (NM_001162427.2); c.3023C>T, p.Ala1008Val (NM_001362177.2); short protein forms A1129V, A1008V, A1128V, A1078V.
Identifiers: ClinVar variation 486570 (VCV000486570.21), dbSNP rs772233665, ClinGen allele CA036688.
Genomic context (GRCh38, chr9:132,896,344, plus strand): 5'-CCAACACTGTCCGGGGTCGGGGGAGACGGGTGAGGGCCATCTAGGTTCAGGGGAATCTTG[G>A]CTTCCACACCCAAGTCTTTGCCCAGTTCTGTCTTTAGGCTCTCAGAAAGGCTACTGGTCA-3'
Protein context (NP_000359.1, residues 1119-1139): TELGKDLGVE[Ala1129Val]KIPLNLDGPH